The following is an entry in ClinVar:

NM_005228.5(EGFR):c.2246A>G (p.Glu749Gly)

Gene: EGFR (epidermal growth factor receptor; plus strand). Cytogenetic location: 7p11.2.
Variant type: single nucleotide variant.
Coding change: c.2246A>G on transcript NM_005228.5 (MANE Select); coding-DNA position 2246, A replaced by G.
Protein change: p.Glu749Gly; replaces glutamic acid 749 with glycine.
Molecular consequence: missense variant.
Genome position (GRCh38, 1-based): chr7:55,174,783, A>G. VCF-style: chr7-55174783-A-G. GRCh37 (hg19) VCF-style: chr7-55242476-A-G.
Other names: c.2111A>G, p.Glu704Gly (NM_001346897.2, NM_001346899.2); c.2246A>G, p.Glu749Gly (NM_001346898.2); c.2087A>G, p.Glu696Gly (NM_001346900.2); c.1445A>G, p.Glu482Gly (NM_001346941.2); short protein forms E482G, E696G, E704G, E749G.
Identifiers: ClinVar variation 2420439 (VCV002420439.7), dbSNP rs2128954820, ClinGen allele CA367584169.
Genomic context (GRCh38, chr7:55,174,783, plus strand): 5'-GACTCTGGATCCCAGAAGGTGAGAAAGTTAAAATTCCCGTCGCTATCAAGGAATTAAGAG[A>G]AGCAACATCTCCGAAAGCCAACAAGGAAATCCTCGATGTGAGTTTCTGCTTTGCTGTGTG-3'
Protein context (NP_005219.2, residues 739-759): KIPVAIKELR[Glu749Gly]ATSPKANKEI

ClinVar aggregate classification (germline): Uncertain significance. Review status: criteria provided, multiple submitters, no conflicts (2 of 4 stars). 2 submissions from 2 submitters: Uncertain significance (2). Last evaluated 2026-07-23.

Conditions:
EGFR-related lung cancer (EGFR). Identifiers: MedGen CN130014.
Hereditary cancer-predisposing syndrome. Also called: Hereditary Cancer Syndrome; Hereditary neoplastic syndrome; Neoplastic Syndromes, Hereditary; Tumor predisposition. Identifiers: Orphanet 140162, MedGen C0027672, MeSH D009386, MONDO:0015356.

Submissions (2):

Ambry Genetics
Classification: Uncertain significance for Hereditary cancer-predisposing syndrome. Last evaluated: 2026-07-23. Review status: criteria provided, single submitter. Criteria: Ambry Variant Classification Scheme 2023. Collection method: clinical testing. Allele origin: germline.
Comment: The p.E749G variant (also known as c.2246A>G), located in coding exon 19 of the EGFR gene, results from an A to G substitution at nucleotide position 2246. The glutamic acid at codon 749 is replaced by glycine, an amino acid with similar properties. This amino acid position is highly conserved in available vertebrate species. In addition, the in silico prediction for this alteration is inconclusive. Based on the available evidence, the clinical significance of this variant remains unclear.

Labcorp Genetics (formerly Invitae), Labcorp
Classification: Uncertain significance for EGFR-related lung cancer. Last evaluated: 2022-06-07. Review status: criteria provided, single submitter. Criteria: Invitae Variant Classification Sherloc (09022015). Collection method: clinical testing. Allele origin: germline.
Comment: This sequence change replaces glutamic acid, which is acidic and polar, with glycine, which is neutral and non-polar, at codon 749 of the EGFR protein (p.Glu749Gly). This variant is not present in population databases (gnomAD no frequency). This variant has not been reported in the literature in individuals affected with EGFR-related conditions. Algorithms developed to predict the effect of missense changes on protein structure and function are either unavailable or do not agree on the potential impact of this missense change (SIFT: "Deleterious"; PolyPhen-2: "Probably Damaging"; Align-GVGD: "Class C0"). In summary, the available evidence is currently insufficient to determine the role of this variant in disease. Therefore, it has been classified as a Variant of Uncertain Significance.